The following is an entry in ClinVar:

NM_001458.5(FLNC):c.7439T>C (p.Val2480Ala)

Genes: FLNC (filamin C; plus strand), FLNC-AS1 (FLNC antisense RNA 1; minus strand). Cytogenetic location: 7q32.1.
Variant type: single nucleotide variant.
Coding change: c.7439T>C on transcript NM_001458.5 (MANE Select); coding-DNA position 7439, T replaced by C.
Protein change: p.Val2480Ala; replaces valine 2480 with alanine.
Molecular consequence: missense variant.
Genome position (GRCh38, 1-based): chr7:128,856,799, T>C. VCF-style: chr7-128856799-T-C. GRCh37 (hg19) VCF-style: chr7-128496853-T-C.
Other names: c.7340T>C, p.Val2447Ala (NM_001127487.2); short protein forms V2447A, V2480A.
Identifiers: ClinVar variation 1024636 (VCV001024636.13), dbSNP rs1376119645, ClinGen allele CA369217377.
Genomic context (GRCh38, chr7:128,856,799, plus strand): 5'-CCACAGACAAGCACACCATCCGCTTCATCCCCCACGAGAATGGCGTCCACTCCATCGATG[T>C]CAAGTTCAACGGTGCCCACATCCCTGGAAGTCCCTTCAAGATCCGCGTTGGGGAGCAGAG-3'
Protein context (NP_001449.3, residues 2470-2490): PHENGVHSID[Val2480Ala]KFNGAHIPGS

ClinVar aggregate classification (germline): Conflicting classifications of pathogenicity. Review status: criteria provided, conflicting classifications (1 of 4 stars). 3 submissions from 3 submitters: Uncertain significance (1); Likely benign (1). 1 of the submissions does not count toward it. Last evaluated 2025-03-10.

Conditions:
FLNC-related disorder. Also called: FLNC-related disorders; FLNC-related condition.
Hypertrophic cardiomyopathy 26. Also called: Cardiomyopathy, familial hypertrophic, 26. Identifiers: Orphanet 75249, MedGen C4310749, MONDO:0014883, OMIM 617047.
Myofibrillar myopathy 5. Also called: Filaminopathy (type); FILAMINOPATHY, AUTOSOMAL DOMINANT. Identifiers: Orphanet 171445, MedGen C1836050, MONDO:0012289, OMIM 609524.
Distal myopathy with posterior leg and anterior hand involvement. Also called: WILLIAMS DISTAL MYOPATHY. Identifiers: Orphanet 63273, MedGen C3279722, MONDO:0013550, OMIM 614065.
Cardiovascular phenotype. Identifiers: MedGen CN230736.

Allele frequency attached by ClinVar (database versions not stated): TOPMed below 0.00001; gnomAD 0.00001; gnomAD exomes below 0.00001.
gnomAD v4.1: 8 of 1,613,988 alleles (0.0005%); highest among the groups gnomAD compares: African/African-American, 0.0027%; no homozygotes.

Submissions (3):

Labcorp Genetics (formerly Invitae), Labcorp
Classification: Likely benign for Distal myopathy with posterior leg and anterior hand involvement; Myofibrillar myopathy 5; Hypertrophic cardiomyopathy 26. Last evaluated: 2025-03-10. Review status: criteria provided, single submitter. Criteria: Invitae Variant Classification Sherloc (09022015). Collection method: clinical testing. Allele origin: germline.

Ambry Genetics
Classification: Uncertain significance for Cardiovascular phenotype. Last evaluated: 2022-02-03. Review status: criteria provided, single submitter. Criteria: Ambry Variant Classification Scheme 2023. Collection method: clinical testing. Allele origin: germline.
Comment: The p.V2480A variant (also known as c.7439T>C), located in coding exon 45 of the FLNC gene, results from a T to C substitution at nucleotide position 7439. The valine at codon 2480 is replaced by alanine, an amino acid with similar properties. Based on data from gnomAD, the C allele has an overall frequency of <0.01% (1/31374) total alleles studied, with 0 hemizygote(s) observed. The highest observed frequency was <0.01% (1/8702) of African alleles. This amino acid position is highly conserved in available vertebrate species. In addition, this alteration is predicted to be deleterious by in silico analysis. Since supporting evidence is limited at this time, the clinical significance of this alteration remains unclear.

PreventionGenetics, part of Exact Sciences
Classification: Uncertain significance for FLNC-related condition. Last evaluated: 2024-01-05. Review status: no assertion criteria provided. Collection method: clinical testing. Allele origin: germline. Not counted in ClinVar's aggregate classification.
Comment: The FLNC c.7439T>C variant is predicted to result in the amino acid substitution p.Val2480Ala. To our knowledge, this variant has not been reported in the literature. This variant is reported in 0.011% of alleles in individuals of African descent in gnomAD. At this time, the clinical significance of this variant is uncertain due to the absence of conclusive functional and genetic evidence.